The following is an entry in ClinVar:

NM_032447.5(FBN3):c.3478C>T (p.Arg1160Trp)

Gene: FBN3 (fibrillin 3; minus strand). Cytogenetic location: 19p13.2.
Variant type: single nucleotide variant.
Coding change: c.3478C>T on transcript NM_032447.5 (MANE Select); coding-DNA position 3478, C replaced by T.
Protein change: p.Arg1160Trp; replaces arginine 1160 with tryptophan.
Molecular consequence: missense variant.
Genome position (GRCh38, 1-based): chr19:8,117,277, G>A on the plus strand (C>T on the coding strand, the complement: FBN3 is on the minus strand). VCF-style: chr19-8117277-G-A. GRCh37 (hg19) VCF-style: chr19-8182161-G-A.
Other names: c.3478C>T, p.Arg1160Trp (NM_001321431.2); short protein forms R1160W.
Identifiers: ClinVar variation 2422044 (VCV002422044.6), dbSNP rs555618425, ClinGen allele CA9152434.

ClinVar aggregate classification (germline): Uncertain significance (1 of 4 stars; one submission).

Allele frequency attached by ClinVar (database versions not stated): gnomAD exomes 0.00010; ExAC 0.00021; 1000 Genomes Project 30x 0.00062; 1000 Genomes Project 0.00080.
gnomAD v4.1: 161 of 1,613,780 alleles (0.01%); highest among the groups gnomAD compares: South Asian, 0.16%; 2 homozygotes.

Submission:

Labcorp Genetics (formerly Invitae), Labcorp
Classification: Uncertain significance. Last evaluated: 2022-08-28. Review status: criteria provided, single submitter. Criteria: Invitae Variant Classification Sherloc (09022015). Collection method: clinical testing. Allele origin: germline.
Comment: In summary, the available evidence is currently insufficient to determine the role of this variant in disease. Therefore, it has been classified as a Variant of Uncertain Significance. This sequence change replaces arginine, which is basic and polar, with tryptophan, which is neutral and slightly polar, at codon 1160 of the FBN3 protein (p.Arg1160Trp). This variant is present in population databases (rs555618425, gnomAD 0.2%), and has an allele count higher than expected for a pathogenic variant. This variant has not been reported in the literature in individuals affected with FBN3-related conditions. Algorithms developed to predict the effect of missense changes on protein structure and function are either unavailable or do not agree on the potential impact of this missense change (SIFT: "Not Available"; PolyPhen-2: "Possibly Damaging"; Align-GVGD: "Not Available"). Algorithms developed to predict the effect of sequence changes on RNA splicing suggest that this variant may disrupt the consensus splice site.